The following is an entry in ClinVar:

ClinVar aggregate classification (germline): Uncertain significance (1 of 4 stars; one submission).

Submission:

GeneDx
Classification: Uncertain significance. Last evaluated: 2025-04-22. Review status: criteria provided, single submitter. Criteria: GeneDx Variant Classification Process June 2021. Collection method: clinical testing. Allele origin: germline. Affected: yes.
Comment: Not observed at significant frequency in large population cohorts (gnomAD); In silico analysis supports that this missense variant has a deleterious effect on protein structure/function; Has not been previously published as pathogenic or benign to our knowledge

NM_014233.4(UBTF):c.353C>T (p.Pro118Leu)

Genes: ATXN7L3-AS1 (ATXN7L3 antisense RNA 1; plus strand), UBTF (upstream binding transcription factor; minus strand). Cytogenetic location: 17q21.31.
Variant type: single nucleotide variant.
Coding change: c.353C>T on transcript NM_014233.4 (MANE Select); coding-DNA position 353, C replaced by T.
Protein change: p.Pro118Leu; replaces proline 118 with leucine.
Molecular consequence: missense variant. On other transcripts: non-coding transcript variant (1).
Genome position (GRCh38, 1-based): chr17:44,215,775, G>A on the plus strand (C>T on the coding strand, the complement: UBTF is on the minus strand). VCF-style: chr17-44215775-G-A. GRCh37 (hg19) VCF-style: chr17-42293143-G-A.
Other names: c.353C>T, p.Pro118Leu (NM_001076683.2, NM_001076684.3); short protein forms P118L.
Identifiers: ClinVar variation 4527307 (VCV004527307.1).
Genomic context (GRCh38, chr17:44,215,775, plus strand): 5'-CTCATCTCAGGGTGGAGTTTCGCATACTTGGCCCGCTTCTCCATGAAGAAGCGGAAATAA[G>A]GGGTCAGGGGCTTCTTTGGGAAGTCTGGGTGTTTCTGGAAGAAGGGACAAGGACACAATG-3'
Protein context (NP_055048.1, residues 108-128): HPDFPKKPLT[Pro118Leu]YFRFFMEKRA